The following is an entry in ClinVar:

ClinVar aggregate classification (germline): Uncertain significance. Review status: criteria provided, multiple submitters, no conflicts (2 of 4 stars). 2 submissions from 2 submitters: Uncertain significance (2). Last evaluated 2025-11-12.

Conditions:
Inborn genetic diseases. Identifiers: MedGen C0950123, MeSH D030342.

Allele frequency attached by ClinVar (database versions not stated): gnomAD 0.00001; TOPMed 0.00001; 1000 Genomes Project 30x 0.00016; 1000 Genomes Project 0.00020.
gnomAD v4.1: 12 of 1,614,228 alleles (0.00074%); highest among the groups gnomAD compares: Admixed American, 0.017%; no homozygotes.

Submissions (2):

Ambry Genetics
Classification: Uncertain significance for Inborn genetic diseases. Last evaluated: 2025-11-12. Review status: criteria provided, single submitter. Criteria: Ambry Variant Classification Scheme 2023. Collection method: clinical testing. Allele origin: germline.

Labcorp Genetics (formerly Invitae), Labcorp
Classification: Uncertain significance. Last evaluated: 2025-06-12. Review status: criteria provided, single submitter. Criteria: Invitae Variant Classification Sherloc (09022015). Collection method: clinical testing. Allele origin: germline.
Comment: This sequence change replaces threonine, which is neutral and polar, with proline, which is neutral and non-polar, at codon 187 of the ARHGAP31 protein (p.Thr187Pro). This variant is present in population databases (rs199650901, gnomAD 0.01%). This variant has not been reported in the literature in individuals affected with ARHGAP31-related conditions. ClinVar contains an entry for this variant (Variation ID: 1052129). An algorithm developed to predict the effect of missense changes on protein structure and function (PolyPhen-2) suggests that this variant is likely to be disruptive. In summary, the available evidence is currently insufficient to determine the role of this variant in disease. Therefore, it has been classified as a Variant of Uncertain Significance.

NM_020754.4(ARHGAP31):c.559A>C (p.Thr187Pro)

Gene: ARHGAP31 (Rho GTPase activating protein 31; plus strand). Cytogenetic location: 3q13.33.
Variant type: single nucleotide variant.
Coding change: c.559A>C on transcript NM_020754.4 (MANE Select); coding-DNA position 559, A replaced by C.
Protein change: p.Thr187Pro; replaces threonine 187 with proline.
Molecular consequence: missense variant.
Genome position (GRCh38, 1-based): chr3:119,383,103, A>C. VCF-style: chr3-119383103-A-C. GRCh37 (hg19) VCF-style: chr3-119101950-A-C.
Other names: c.559A>C (NM_020754.2); short protein forms T187P.
Identifiers: ClinVar variation 1052129 (VCV001052129.10), dbSNP rs199650901, ClinGen allele CA2553630.